The following is an entry in ClinVar:

NM_001374828.1(ARID1B):c.3730A>T (p.Lys1244Ter)

Gene: ARID1B (AT-rich interaction domain 1B; plus strand). Cytogenetic location: 6q25.3.
Variant type: single nucleotide variant.
Coding change: c.3730A>T on transcript NM_001374828.1 (MANE Select); coding-DNA position 3730, A replaced by T.
Protein change: p.Lys1244Ter; replaces lysine 1244 with a stop codon.
Molecular consequence: nonsense.
Genome position (GRCh38, 1-based): chr6:157,184,246, A>T. VCF-style: chr6-157184246-A-T. GRCh37 (hg19) VCF-style: chr6-157505380-A-T.
Other names: c.1231A>T, p.Lys411Ter (NM_001363725.2); c.3610A>T, p.Lys1204Ter (NM_001371656.1, NM_001374820.1); c.3571A>T, p.Lys1191Ter (NM_017519.3); c.3361A>T, p.Lys1121Ter (NM_020732.3); short protein forms K1121*, K411*, K1191*, K1204*, K1244*.
Identifiers: ClinVar variation 280411 (VCV000280411.2), dbSNP rs886041623, ClinGen allele CA10602932.

ClinVar aggregate classification (germline): Pathogenic (1 of 4 stars; one submission).

Submission:

GeneDx
Classification: Pathogenic. Last evaluated: 2016-03-08. Review status: criteria provided, single submitter. Criteria: GeneDx Variant Classification (06012015). Collection method: clinical testing. Allele origin: germline. Affected: yes.
Comment: The K1121X pathogenic variant in the ARID1B gene has not been reported previously as a pathogenic variant nor as a benign variant, to our knowledge. This variant is predicted to cause loss of normal protein function either through protein truncation or nonsense-mediated mRNA decay. The K1121X variant was not observed in approximately 6500 individuals of European and African American ancestry in the NHLBI Exome Sequencing Project, indicating it is not a common benign variant in these populations. We interpret K1121X as a pathogenic variant.